The following is an entry in ClinVar:

NM_001110556.2(FLNA):c.5061_5069del (p.Val1688_Thr1690del)

Gene: FLNA (filamin A; minus strand). Cytogenetic location: Xq28.
Variant type: Deletion.
Coding change: c.5061_5069del on transcript NM_001110556.2 (MANE Select); coding-DNA positions 5061 to 5069, 9 bases deleted (CGTGTGCAC; older notation c.5061_5069delCGTGTGCAC).
Protein change: p.Val1688_Thr1690del.
Genome position (GRCh38, 1-based): chrX:154,354,973-154,354,981, GTGCACACG deleted on the plus strand (CGTGTGCAC on the coding strand, the reverse complement: FLNA is on the minus strand); deleting any 9 consecutive bases within chrX:154,354,973-154,354,987 gives the same sequence; the c. name uses the placement nearest the transcript's 3' end. VCF-style (leftmost placement, unchanged base first): chrX-154354972-CGTGCACACG-C. GRCh37 (hg19) VCF-style: chrX-153583340-CGTGCACACG-C.
Other names: c.5037_5045del, p.Val1680_Thr1682del (NM_001456.4).
Identifiers: ClinVar variation 4087890 (VCV004087890.1).
Genomic context (GRCh38, chrX:154,354,972, plus strand): 5'-GATGTCGAAAGTGCCGTCCTCATTCTCCACCACGTCCACATCCACCTCTGAGCCATCAGG[CGTGCACACG>C]GTGCACGTCACTTTGCCTTTGCCTGCCGCCTTAGTGTCCACAGTGATCACCGTCTCCTCC-3'

ClinVar aggregate classification (germline): Uncertain significance (1 of 4 stars; one submission).

Submission:

GeneDx
Classification: Uncertain significance. Last evaluated: 2025-03-22. Review status: criteria provided, single submitter. Criteria: GeneDx Variant Classification Process June 2021. Collection method: clinical testing. Allele origin: germline. Affected: yes.
Comment: Not observed at significant frequency in large population cohorts (gnomAD); In-frame deletion of 3 amino acids in a non-repeat region; In silico analysis indicates that this variant does not alter protein structure/function; Has not been previously published as pathogenic or benign to our knowledge